The following is an entry in ClinVar:

NM_002772.3(TMPRSS15):c.1396C>A (p.Gln466Lys)

Gene: TMPRSS15 (transmembrane serine protease 15; minus strand). Cytogenetic location: 21q21.1.
Variant type: single nucleotide variant.
Coding change: c.1396C>A on transcript NM_002772.3 (MANE Select); coding-DNA position 1396, C replaced by A.
Protein change: p.Gln466Lys; replaces glutamine 466 with lysine.
Molecular consequence: missense variant.
Genome position (GRCh38, 1-based): chr21:18,343,538, G>T on the plus strand (C>A on the coding strand, the complement: TMPRSS15 is on the minus strand). VCF-style: chr21-18343538-G-T. GRCh37 (hg19) VCF-style: chr21-19715855-G-T.
Other names: short protein forms Q466K.
Identifiers: ClinVar variation 3017426 (VCV003017426.3), dbSNP rs200407714, ClinGen allele CA9984446.

ClinVar aggregate classification (germline): Uncertain significance (1 of 4 stars; one submission).

Allele frequency attached by ClinVar (database versions not stated): ExAC 0.00001; gnomAD exomes 0.00004.
gnomAD v4.1: 60 of 1,612,480 alleles (0.0037%); highest among the groups gnomAD compares: Non-Finnish European, 0.0048%; no homozygotes.

Submission:

Labcorp Genetics (formerly Invitae), Labcorp
Classification: Uncertain significance. Last evaluated: 2023-03-14. Review status: criteria provided, single submitter. Criteria: Invitae Variant Classification Sherloc (09022015). Collection method: clinical testing. Allele origin: germline.
Comment: This sequence change replaces glutamine, which is neutral and polar, with lysine, which is basic and polar, at codon 466 of the TMPRSS15 protein (p.Gln466Lys). In summary, the available evidence is currently insufficient to determine the role of this variant in disease. Therefore, it has been classified as a Variant of Uncertain Significance. An algorithm developed to predict the effect of missense changes on protein structure and function (PolyPhen-2) suggests that this variant is likely to be disruptive. This variant has not been reported in the literature in individuals affected with TMPRSS15-related conditions. This variant is present in population databases (rs200407714, gnomAD 0.0009%).